The following is an entry in ClinVar:

ClinVar aggregate classification (germline): Uncertain significance (1 of 4 stars; one submission).

Conditions:
Autosomal recessive distal spinal muscular atrophy 1. Also called: NEURONOPATHY, DISTAL HEREDITARY MOTOR, HARDING TYPE VI; NEUROPATHY, DISTAL HEREDITARY MOTOR, AUTOSOMAL RECESSIVE 1; NEURONOPATHY, SEVERE INFANTILE AXONAL, WITH RESPIRATORY FAILURE; HMN VI; SEVERE INFANTILE AXONAL NEUROPATHY WITH RESPIRATORY FAILURE; SPINAL MUSCULAR ATROPHY, DIAPHRAGMATIC. Identifiers: Orphanet 98920, MedGen C1858517, MONDO:0011436, OMIM 604320.
Charcot-Marie-Tooth disease axonal type 2S. Also called: CHARCOT-MARIE-TOOTH NEUROPATHY, TYPE 2S; CHARCOT-MARIE-TOOTH DISEASE, AXONAL, AUTOSOMAL RECESSIVE, TYPE 2S. Identifiers: Orphanet 443073, MedGen C4015349, MONDO:0014511, OMIM 616155.

Allele frequency attached by ClinVar (database versions not stated): gnomAD exomes below 0.00001; TOPMed below 0.00001.
gnomAD v4.1: 1 of 1,614,070 alleles (0.000062%); highest among the groups gnomAD compares: Non-Finnish European, 0.000085%; no homozygotes.

Submission:

Labcorp Genetics (formerly Invitae), Labcorp
Classification: Uncertain significance for Autosomal recessive distal spinal muscular atrophy 1; Charcot-Marie-Tooth disease axonal type 2S. Last evaluated: 2021-09-10. Review status: criteria provided, single submitter. Criteria: Invitae Variant Classification Sherloc (09022015). Collection method: clinical testing. Allele origin: germline.
Comment: This sequence change replaces alanine with threonine at codon 885 of the IGHMBP2 protein (p.Ala885Thr). The alanine residue is moderately conserved and there is a small physicochemical difference between alanine and threonine. This variant is not present in population databases (ExAC no frequency). This variant has not been reported in the literature in individuals affected with IGHMBP2-related conditions. Algorithms developed to predict the effect of missense changes on protein structure and function (SIFT, PolyPhen-2, Align-GVGD) all suggest that this variant is likely to be tolerated. In summary, the available evidence is currently insufficient to determine the role of this variant in disease. Therefore, it has been classified as a Variant of Uncertain Significance.

NM_002180.3(IGHMBP2):c.2653G>A (p.Ala885Thr)

Gene: IGHMBP2 (immunoglobulin mu DNA binding protein 2; plus strand). Cytogenetic location: 11q13.3.
Variant type: single nucleotide variant.
Coding change: c.2653G>A on transcript NM_002180.3 (MANE Select); coding-DNA position 2653, G replaced by A.
Protein change: p.Ala885Thr; replaces alanine 885 with threonine.
Molecular consequence: missense variant.
Genome position (GRCh38, 1-based): chr11:68,938,223, G>A. VCF-style: chr11-68938223-G-A. GRCh37 (hg19) VCF-style: chr11-68705691-G-A.
Other names: short protein forms A885T.
Identifiers: ClinVar variation 1059171 (VCV001059171.4), dbSNP rs1386297763, ClinGen allele CA381654287.
Genomic context (GRCh38, chr11:68,938,223, plus strand): 5'-TGACGCGGGTCTTCTCCAGGACATCCGGCCACAGATCTGCCCACGGAGGAGGACTTTGAG[G>A]CCCTGGTTTCTGCCGCCGTTAAGGCTGATAACACCTGCGGCTTTGCCAAGTGCACAGCCG-3'
Protein context (NP_002171.2, residues 875-895): TDLPTEEDFE[Ala885Thr]LVSAAVKADN